The following is an entry in ClinVar:

ClinVar aggregate classification (germline): Uncertain significance (1 of 4 stars; one submission).

Conditions:
NIK deficiency. Also called: Primary immunodeficiency with multifaceted aberrant lymphoid immunity. Identifiers: Orphanet 447731, MedGen C5680065, MONDO:0018642.

Submission:

Labcorp Genetics (formerly Invitae), Labcorp
Classification: Uncertain significance for NIK deficiency. Last evaluated: 2022-10-17. Review status: criteria provided, single submitter. Criteria: Invitae Variant Classification Sherloc (09022015). Collection method: clinical testing. Allele origin: germline.
Comment: This variant has not been reported in the literature in individuals affected with MAP3K14-related conditions. This sequence change replaces threonine, which is neutral and polar, with asparagine, which is neutral and polar, at codon 63 of the MAP3K14 protein (p.Thr63Asn). This variant is not present in population databases (gnomAD no frequency). Experimental studies and prediction algorithms are not available or were not evaluated, and the functional significance of this variant is currently unknown. In summary, the available evidence is currently insufficient to determine the role of this variant in disease. Therefore, it has been classified as a Variant of Uncertain Significance.

NM_003954.5(MAP3K14):c.188C>A (p.Thr63Asn)

Gene: MAP3K14 (mitogen-activated protein kinase kinase kinase 14; minus strand). Cytogenetic location: 17q21.31.
Variant type: single nucleotide variant.
Coding change: c.188C>A on transcript NM_003954.5 (MANE Select); coding-DNA position 188, C replaced by A.
Protein change: p.Thr63Asn; replaces threonine 63 with asparagine.
Molecular consequence: missense variant.
Genome position (GRCh38, 1-based): chr17:45,290,558, G>T on the plus strand (C>A on the coding strand, the complement: MAP3K14 is on the minus strand). VCF-style: chr17-45290558-G-T. GRCh37 (hg19) VCF-style: chr17-43367924-G-T.
Other names: short protein forms T63N.
Identifiers: ClinVar variation 1917608 (VCV001917608.5), dbSNP rs2509030675, ClinGen allele CA399892094.